The following is an entry in ClinVar:

ClinVar aggregate classification (germline): Uncertain significance (1 of 4 stars; one submission).

Allele frequency attached by ClinVar (database versions not stated): gnomAD exomes below 0.00001.
gnomAD v4.1: 1 of 1,613,944 alleles (0.000062%); highest among the groups gnomAD compares: Non-Finnish European, 0.000085%; no homozygotes.

Submission:

Ambry Genetics
Classification: Uncertain significance. Last evaluated: 2023-12-22. Review status: criteria provided, single submitter. Criteria: Ambry Variant Classification Scheme 2023. Collection method: clinical testing. Allele origin: germline.
Comment: The p.N138K variant (also known as c.414T>A), located in coding exon 3 of the ALPK2 gene, results from a T to A substitution at nucleotide position 414. The asparagine at codon 138 is replaced by lysine, an amino acid with similar properties. This amino acid position is conserved. In addition, this alteration is predicted to be tolerated by in silico analysis. Since supporting evidence is limited at this time, the clinical significance of this alteration remains unclear.

NM_052947.4(ALPK2):c.414T>A (p.Asn138Lys)

Gene: ALPK2 (alpha kinase 2; minus strand). Cytogenetic location: 18q21.31.
Variant type: single nucleotide variant.
Coding change: c.414T>A on transcript NM_052947.4 (MANE Select); coding-DNA position 414, T replaced by A.
Protein change: p.Asn138Lys; replaces asparagine 138 with lysine.
Molecular consequence: missense variant.
Genome position (GRCh38, 1-based): chr18:58,580,362, A>T on the plus strand (T>A on the coding strand, the complement: ALPK2 is on the minus strand). VCF-style: chr18-58580362-A-T. GRCh37 (hg19) VCF-style: chr18-56247594-A-T.
Other names: short protein forms N138K.
Identifiers: ClinVar variation 3228721 (VCV003228721.1), dbSNP rs2518900278, ClinGen allele CA402568028.